The following is an entry in ClinVar:

ClinVar aggregate classification (germline): Likely pathogenic (1 of 4 stars; one submission).

Submission:

Labcorp Genetics (formerly Invitae), Labcorp
Classification: Likely pathogenic. Last evaluated: 2020-03-26. Review status: criteria provided, single submitter. Criteria: Invitae Variant Classification Sherloc (09022015). Collection method: clinical testing. Allele origin: germline.
Comment: Glycine residues within the Gly-Xaa-Yaa repeats of the triple helix domain are required for the structure and stability of fibrillar collagens (PMID: 7695699, 8218237, 19344236). In COL4A1, missense variants at these glycine residues are significantly enriched in individuals with disease (PMID: 10612821) compared to the general population (ExAC). This sequence change replaces glycine with alanine at codon 76 of the COL4A1 protein (p.Gly76Ala). The glycine residue is highly conserved and there is a small physicochemical difference between glycine and alanine. This variant is not present in population databases (ExAC no frequency). In summary, this variant is a novel missense change affecting a residue that is known to be critical for normal protein structure, stability and function. This type of missense change is also highly enriched in affected individuals and expected to be pathogenic. However, without additional functional and/or genetic data, this variant has been classified as Likely Pathogenic. This variant has been observed in individual(s) with clinical features of COL4A1-related disease (Invitae).

Literature cited by the submitters: PubMed 7695699; PubMed 8218237; PubMed 19344236; PubMed 10612821.

NM_001845.6(COL4A1):c.227G>C (p.Gly76Ala)

Gene: COL4A1 (collagen type IV alpha 1 chain; minus strand). Cytogenetic location: 13q34.
Variant type: single nucleotide variant.
Coding change: c.227G>C on transcript NM_001845.6 (MANE Select); coding-DNA position 227, G replaced by C.
Protein change: p.Gly76Ala; replaces glycine 76 with alanine.
Molecular consequence: missense variant.
Genome position (GRCh38, 1-based): chr13:110,213,933, C>G on the plus strand (G>C on the coding strand, the complement: COL4A1 is on the minus strand). VCF-style: chr13-110213933-C-G. GRCh37 (hg19) VCF-style: chr13-110866280-C-G.
Other names: c.227G>C, p.Gly76Ala (NM_001303110.2); short protein forms G76A.
Identifiers: ClinVar variation 1068188 (VCV001068188.9), dbSNP rs775754972, ClinGen allele CA388727026.